The following is an entry in ClinVar:

NM_004393.6(DAG1):c.1847C>T (p.Pro616Leu)

Gene: DAG1 (dystroglycan 1; plus strand). Cytogenetic location: 3p21.31.
Variant type: single nucleotide variant.
Coding change: c.1847C>T on transcript NM_004393.6 (MANE Select); coding-DNA position 1847, C replaced by T.
Protein change: p.Pro616Leu; replaces proline 616 with leucine.
Molecular consequence: missense variant.
Genome position (GRCh38, 1-based): chr3:49,532,358, C>T. VCF-style: chr3-49532358-C-T. GRCh37 (hg19) VCF-style: chr3-49569791-C-T.
Other names: c.1847C>T, p.Pro616Leu (NM_001165928.4, NM_001177634.3, NM_001177635.3 and 9 more transcripts); short protein forms P616L.
Identifiers: ClinVar variation 646355 (VCV000646355.4), dbSNP rs200334256, ClinGen allele CA2399160.

ClinVar aggregate classification (germline): Uncertain significance (1 of 4 stars; one submission).

Conditions:
Muscular dystrophy-dystroglycanopathy (congenital with brain and eye anomalies), type A9. Also called: WALKER-WARBURG SYNDROME OR MUSCLE-EYE BRAIN DISEASE, DAG1-RELATED; Muscular dystrophy-dystroglycanopathy (congenital with brain and eye anomalies), type a, 9. Identifiers: Orphanet 370997, Orphanet 899, MedGen C4225291, MONDO:0014683, OMIM 616538.
Autosomal recessive limb-girdle muscular dystrophy type 2P. Also called: MUSCULAR DYSTROPHY-DYSTROGLYCANOPATHY, LIMB-GIRDLE, DAG1-RELATED; MUSCULAR DYSTROPHY, LIMB-GIRDLE, TYPE 2P; Limb-Girdle Muscular Dystrophy Type 9C. Identifiers: Orphanet 280333, MedGen C4511963, MONDO:0013440, OMIM 613818.

Allele frequency attached by ClinVar (database versions not stated): TOPMed below 0.00001; ExAC 0.00001; gnomAD 0.00001; gnomAD exomes 0.00001 and 0.00002; 1000 Genomes Project 30x 0.00016; 1000 Genomes Project 0.00020.
gnomAD v4.1: 15 of 1,614,122 alleles (0.00093%); highest among the groups gnomAD compares: East Asian, 0.0045%; no homozygotes.

Submission:

Labcorp Genetics (formerly Invitae), Labcorp
Classification: Uncertain significance for Autosomal recessive limb-girdle muscular dystrophy type 2P; Muscular dystrophy-dystroglycanopathy (congenital with brain and eye anomalies), type A9. Last evaluated: 2021-08-31. Review status: criteria provided, single submitter. Criteria: Invitae Variant Classification Sherloc (09022015). Collection method: clinical testing. Allele origin: germline.
Comment: This sequence change replaces proline with leucine at codon 616 of the DAG1 protein (p.Pro616Leu). The proline residue is moderately conserved and there is a moderate physicochemical difference between proline and leucine. This variant is present in population databases (rs200334256, ExAC 0.002%). This variant has not been reported in the literature in individuals affected with DAG1-related conditions. Algorithms developed to predict the effect of missense changes on protein structure and function (SIFT, PolyPhen-2, Align-GVGD) all suggest that this variant is likely to be tolerated. In summary, the available evidence is currently insufficient to determine the role of this variant in disease. Therefore, it has been classified as a Variant of Uncertain Significance.